The following is an entry in ClinVar:

ClinVar aggregate classification (germline): Uncertain significance. Review status: criteria provided, multiple submitters, no conflicts (2 of 4 stars). 2 submissions from 2 submitters: Uncertain significance (2). Last evaluated 2025-08-07.

Conditions:
Inborn genetic diseases. Identifiers: MedGen C0950123, MeSH D030342.

Allele frequency attached by ClinVar (database versions not stated): TOPMed below 0.00001; gnomAD exomes 0.00004 and 0.00015; gnomAD 0.00005; ExAC 0.00023.
gnomAD v4.1: 77 of 1,613,844 alleles (0.0048%); highest among the groups gnomAD compares: Non-Finnish European, 0.0031%; no homozygotes.

Submissions (2):

Ambry Genetics
Classification: Uncertain significance for Inborn genetic diseases. Last evaluated: 2025-08-07. Review status: criteria provided, single submitter. Criteria: Ambry Variant Classification Scheme 2023. Collection method: clinical testing. Allele origin: germline.

Labcorp Genetics (formerly Invitae), Labcorp
Classification: Uncertain significance. Last evaluated: 2024-11-04. Review status: criteria provided, single submitter. Criteria: Invitae Variant Classification Sherloc (09022015). Collection method: clinical testing. Allele origin: germline.
Comment: This sequence change replaces asparagine, which is neutral and polar, with serine, which is neutral and polar, at codon 461 of the FZD4 protein (p.Asn461Ser). This variant is present in population databases (rs201457319, gnomAD 0.04%). This variant has not been reported in the literature in individuals affected with FZD4-related conditions. ClinVar contains an entry for this variant (Variation ID: 1044351). Invitae Evidence Modeling of protein sequence and biophysical properties (such as structural, functional, and spatial information, amino acid conservation, physicochemical variation, residue mobility, and thermodynamic stability) indicates that this missense variant is not expected to disrupt FZD4 protein function with a negative predictive value of 80%. In summary, the available evidence is currently insufficient to determine the role of this variant in disease. Therefore, it has been classified as a Variant of Uncertain Significance.

NM_012193.4(FZD4):c.1382A>G (p.Asn461Ser)

Genes: FZD4 (frizzled class receptor 4; minus strand), PRSS23 (serine protease 23; plus strand). Cytogenetic location: 11q14.2.
Variant type: single nucleotide variant.
Coding change: c.1382A>G on transcript NM_012193.4 (MANE Select); coding-DNA position 1382, A replaced by G.
Protein change: p.Asn461Ser; replaces asparagine 461 with serine.
Molecular consequence: missense variant. On other transcripts: non-coding transcript variant (2).
Genome position (GRCh38, 1-based): chr11:86,951,374, T>C on the plus strand (A>G on the coding strand, the complement: FZD4 is on the minus strand). VCF-style: chr11-86951374-T-C. GRCh37 (hg19) VCF-style: chr11-86662416-T-C.
Other names: c.1382A>G (NM_012193.3); short protein forms N461S.
Identifiers: ClinVar variation 1044351 (VCV001044351.11), dbSNP rs201457319, ClinGen allele CA6218335.